The following is an entry in ClinVar:

NM_002880.4(RAF1):c.91A>G (p.Thr31Ala)

Gene: RAF1 (Raf-1 proto-oncogene, serine/threonine kinase; minus strand). Cytogenetic location: 3p25.2.
Variant type: single nucleotide variant.
Coding change: c.91A>G on transcript NM_002880.4 (MANE Select); coding-DNA position 91, A replaced by G.
Protein change: p.Thr31Ala; replaces threonine 31 with alanine.
Molecular consequence: missense variant. On other transcripts: 5 prime UTR variant (4), non-coding transcript variant (3).
Genome position (GRCh38, 1-based): chr3:12,618,631, T>C on the plus strand (A>G on the coding strand, the complement: RAF1 is on the minus strand). VCF-style: chr3-12618631-T-C. GRCh37 (hg19) VCF-style: chr3-12660130-T-C.
Other names: c.91A>G, p.Thr31Ala (NM_001354689.3, NM_001354690.3, NM_001354693.3); c.-40A>G (NM_001354691.3, NM_001354692.3, NM_001354694.3 and 1 more transcripts); short protein forms T31A.
Identifiers: ClinVar variation 1438529 (VCV001438529.8), dbSNP rs1486365900, ClinGen allele CA351485091.

ClinVar aggregate classification (germline): Uncertain significance. Review status: criteria provided, multiple submitters, no conflicts (2 of 4 stars). 2 submissions from 2 submitters: Uncertain significance (2). Last evaluated 2022-08-03.

Conditions:
Cardiovascular phenotype. Identifiers: MedGen CN230736.
RASopathy. Also called: rasopathies; Noonan spectrum disorder. Identifiers: Orphanet 536391, MedGen C5555857, MONDO:0021060.

gnomAD v4.1: 3 of 1,614,208 alleles (0.00019%); highest among the groups gnomAD compares: South Asian, 0.0011%; no homozygotes.

Submissions (2):

Ambry Genetics
Classification: Uncertain significance for Cardiovascular phenotype. Last evaluated: 2022-08-03. Review status: criteria provided, single submitter. Criteria: Ambry Variant Classification Scheme 2023. Collection method: clinical testing. Allele origin: germline.
Comment: The p.T31A variant (also known as c.91A>G), located in coding exon 1 of the RAF1 gene, results from an A to G substitution at nucleotide position 91. The threonine at codon 31 is replaced by alanine, an amino acid with similar properties. This amino acid position is conserved. In addition, the in silico prediction for this alteration is inconclusive. Since supporting evidence is limited at this time, the clinical significance of this alteration remains unclear.

Labcorp Genetics (formerly Invitae), Labcorp
Classification: Uncertain significance for RASopathy. Last evaluated: 2021-08-24. Review status: criteria provided, single submitter. Criteria: Invitae Variant Classification Sherloc (09022015). Collection method: clinical testing. Allele origin: germline.
Comment: This variant has not been reported in the literature in individuals affected with RAF1-related conditions. This sequence change replaces threonine with alanine at codon 31 of the RAF1 protein (p.Thr31Ala). The threonine residue is moderately conserved and there is a small physicochemical difference between threonine and alanine. This variant is not present in population databases (ExAC no frequency). Advanced modeling of protein sequence and biophysical properties (such as structural, functional, and spatial information, amino acid conservation, physicochemical variation, residue mobility, and thermodynamic stability) performed at Invitae indicates that this missense variant is not expected to disrupt RAF1 protein function. In summary, the available evidence is currently insufficient to determine the role of this variant in disease. Therefore, it has been classified as a Variant of Uncertain Significance.